The following is an entry in ClinVar:

ClinVar aggregate classification (germline): Uncertain significance. Review status: criteria provided, multiple submitters, no conflicts (2 of 4 stars). 2 submissions from 2 submitters: Uncertain significance (2). Last evaluated 2022-01-02.

Conditions:
Intellectual developmental disorder, autosomal dominant 6, with or without seizures. Also called: Intellectual disability, autosomal dominant 6; GRIN2B-related developmental delay, intellectual disability and autism spectrum disorder. Identifiers: Orphanet 589547, MedGen C3151411, MONDO:0013509, OMIM 613970.
Developmental and epileptic encephalopathy, 27 (DEE27). Also called: GRIN2B-Related Neurodevelopmental Disorder; Epileptic encephalopathy, early infantile, 27. Identifiers: Orphanet 3451, MedGen C4015316, MONDO:0014505, OMIM 616139.

Submissions (2):

Experimental Epileptology, AG Lerche, Hertie Institute for Clinical Brain Research
Classification: Uncertain significance for Intellectual developmental disorder, autosomal dominant 6, with or without seizures. Last evaluated: 2022-01-02. Review status: criteria provided, single submitter. Criteria: ACMG Guidelines, 2015. Collection method: research. Allele origin: germline. Affected: yes.
Comment: ACMG/AMP criteria: PM2, PP2, PP3, BS4

Labcorp Genetics (formerly Invitae), Labcorp
Classification: Uncertain significance for Developmental and epileptic encephalopathy, 27; Intellectual developmental disorder, autosomal dominant 6, with or without seizures. Last evaluated: 2021-07-14. Review status: criteria provided, single submitter. Criteria: Invitae Variant Classification Sherloc (09022015). Collection method: clinical testing. Allele origin: germline.
Comment: This sequence change replaces histidine with arginine at codon 1145 of the GRIN2B protein (p.His1145Arg). The histidine residue is moderately conserved and there is a small physicochemical difference between histidine and arginine. This variant is not present in population databases (ExAC no frequency). This variant has not been reported in the literature in individuals affected with GRIN2B-related conditions. Advanced modeling of protein sequence and biophysical properties (such as structural, functional, and spatial information, amino acid conservation, physicochemical variation, residue mobility, and thermodynamic stability) performed at Invitae indicates that this missense variant is not expected to disrupt GRIN2B protein function. In summary, the available evidence is currently insufficient to determine the role of this variant in disease. Therefore, it has been classified as a Variant of Uncertain Significance.

NM_000834.5(GRIN2B):c.3434A>G (p.His1145Arg)

Gene: GRIN2B (glutamate ionotropic receptor NMDA type subunit 2B; minus strand). Cytogenetic location: 12p13.1.
Variant type: single nucleotide variant.
Coding change: c.3434A>G on transcript NM_000834.5 (MANE Select); coding-DNA position 3434, A replaced by G.
Protein change: p.His1145Arg; replaces histidine 1145 with arginine.
Molecular consequence: missense variant.
Genome position (GRCh38, 1-based): chr12:13,563,804, T>C on the plus strand (A>G on the coding strand, the complement: GRIN2B is on the minus strand). VCF-style: chr12-13563804-T-C. GRCh37 (hg19) VCF-style: chr12-13716738-T-C.
Other names: NC_000012.12(NM_000834.5):c.3434A>G; NM_000834.5(GRIN2B):p.(His1145Arg); NM_000834.5(NP_000825.2):p.(His1145Arg); short protein forms H1145R.
Identifiers: ClinVar variation 1333720 (VCV001333720.9), dbSNP rs2136404605, ClinGen allele CA383989354.